The following is an entry in ClinVar:

NC_000002.12:g.240042158A>G

Gene: PRR21 (proline rich 21; minus strand). Cytogenetic location: 2q37.3.
Variant type: single nucleotide variant.
Genome position: GRCh38 VCF-style: chr2-240042158-A-G. GRCh37 (hg19) VCF-style: chr2-240981575-A-G.
Identifiers: ClinVar variation 4821801 (VCV004821801.4).
Genomic context (GRCh38, chr2:240,042,158, plus strand): 5'-ATGGACGAAGGGCCGTGGGTGAAGAGGCATGGAGGAAGGGCCGTGGGTGAAGAGGCATGG[A>G]CGAAGGGCCGTGGGTGAAGAGGCATGGAGGAAGGGCCGTGGGTGAAGAGGCATGGACGAA-3'

ClinVar aggregate classification (germline): Likely benign (1 of 4 stars; one submission).

Submission:

CeGaT Center for Human Genetics Tuebingen
Classification: Likely benign. Last evaluated: 2026-01-01. Review status: criteria provided, single submitter. Criteria: CeGaT Center For Human Genetics Tuebingen Variant Classification Criteria Version 2. Collection method: clinical testing. Allele origin: germline. Affected: yes. Observed: 1 variant allele.
Comment: PRR21: BP4, BP7